The following is an entry in ClinVar:

NM_181776.3(SLC36A2):c.426C>T (p.His142=)

Gene: SLC36A2 (solute carrier family 36 member 2; minus strand). Cytogenetic location: 5q33.1.
Variant type: single nucleotide variant.
Coding change: c.426C>T on transcript NM_181776.3 (MANE Select); coding-DNA position 426, C replaced by T.
Protein change: p.His142=; no amino-acid change (histidine 142 retained).
Molecular consequence: synonymous variant.
Genome position (GRCh38, 1-based): chr5:151,342,902, G>A on the plus strand (C>T on the coding strand, the complement: SLC36A2 is on the minus strand). VCF-style: chr5-151342902-G-A. GRCh37 (hg19) VCF-style: chr5-150722463-G-A.
Identifiers: ClinVar variation 727216 (VCV000727216.12), dbSNP rs79265984, ClinGen allele CA3518904.

ClinVar aggregate classification (germline): Benign/Likely benign. Review status: criteria provided, multiple submitters, no conflicts (2 of 4 stars). 3 submissions from 3 submitters: Benign (1); Likely benign (1). 1 of the submissions does not count toward it. Last evaluated 2025-10-09.

Conditions:
Hyperglycinuria. Also called: GLYCINURIA WITH OR WITHOUT OXALATE NEPHROLITHIASIS; GLYCINURIA WITH OR WITHOUT OXALATE UROLITHIASIS; IMINOGLYCINURIA TYPE II. Identifiers: MedGen C0543541, MONDO:0007677, OMIM 138500, HP:0003108.
Iminoglycinuria. Identifiers: Orphanet 42062, MedGen C0268654, MONDO:0009448, OMIM 242600.
SLC36A2-related disorder. Also called: SLC36A2-related condition.

Allele frequency attached by ClinVar (database versions not stated): gnomAD 0.00090 and 0.00096; 1000 Genomes Project 30x 0.00094; TOPMed 0.00101; 1000 Genomes Project 0.00120; ESP Exome Variant Server 0.00123.
gnomAD v4.1: 310 of 1,614,070 alleles (0.019%); highest among the groups gnomAD compares: African/African-American, 0.34%; no homozygotes.

Submissions (3):

Labcorp Genetics (formerly Invitae), Labcorp
Classification: Benign. Last evaluated: 2025-10-09. Review status: criteria provided, single submitter. Criteria: Invitae Variant Classification Sherloc (09022015). Collection method: clinical testing. Allele origin: germline.

Fulgent Genetics
Classification: Likely benign for Hyperglycinuria; Iminoglycinuria. Last evaluated: 2021-08-11. Review status: criteria provided, single submitter. Criteria: ACMG Guidelines, 2015. Collection method: clinical testing. Allele origin: unknown.

PreventionGenetics, part of Exact Sciences
Classification: Likely benign for SLC36A2-related condition. Last evaluated: 2019-04-25. Review status: no assertion criteria provided. Collection method: clinical testing. Allele origin: germline. Not counted in ClinVar's aggregate classification.
Comment: This variant is classified as likely benign based on ACMG/AMP sequence variant interpretation guidelines (Richards et al. 2015 PMID: 25741868, with internal and published modifications).